The following is an entry in ClinVar:

NM_001368397.1(FRMPD4):c.2605G>A (p.Val869Ile)

Gene: FRMPD4 (FERM and PDZ domain containing 4; plus strand). Cytogenetic location: Xp22.2.
Variant type: single nucleotide variant.
Coding change: c.2605G>A on transcript NM_001368397.1 (MANE Select); coding-DNA position 2605, G replaced by A.
Protein change: p.Val869Ile; replaces valine 869 with isoleucine.
Molecular consequence: missense variant.
Genome position (GRCh38, 1-based): chrX:12,717,064, G>A. VCF-style: chrX-12717064-G-A. GRCh37 (hg19) VCF-style: chrX-12735183-G-A.
Other names: c.2605G>A, p.Val869Ile (NM_014728.3); c.2716G>A, p.Val906Ile (NM_001368395.3, NM_001368398.3); c.2611G>A, p.Val871Ile (NM_001368396.3); c.2596G>A, p.Val866Ile (NM_001368399.3); c.2485G>A, p.Val829Ile (NM_001368400.3); c.2581G>A, p.Val861Ile (NM_001368401.1, NM_001368402.3); short protein forms V866I, V869I, V829I, V861I, V871I, V906I.
Identifiers: ClinVar variation 932417 (VCV000932417.41), dbSNP rs146534723, ClinGen allele CA10349477.

ClinVar aggregate classification (germline): Conflicting classifications of pathogenicity. Review status: criteria provided, conflicting classifications (1 of 4 stars). 3 submissions from 3 submitters: Uncertain significance (2); Likely benign (1). Last evaluated 2023-09-01.

Conditions:
FRMPD4-related disorder. Also called: FRMPD4-related condition.
Inborn genetic diseases. Identifiers: MedGen C0950123, MeSH D030342.

Allele frequency attached by ClinVar (database versions not stated): gnomAD 0.00004 and 0.00005; gnomAD exomes 0.00004 and 0.00006; TOPMed 0.00005; ExAC 0.00008; ESP Exome Variant Server 0.00009.
gnomAD v4.1: 45 of 1,205,876 alleles (0.0037%); highest among the groups gnomAD compares: Non-Finnish European, 0.0047%; no homozygotes.

Submissions (3):

CeGaT Center for Human Genetics Tuebingen
Classification: Uncertain significance. Last evaluated: 2023-09-01. Review status: criteria provided, single submitter. Criteria: CeGaT Center For Human Genetics Tuebingen Variant Classification Criteria Version 2. Collection method: clinical testing. Allele origin: germline. Affected: yes. Observed: 2 variant alleles.
Comment: FRMPD4: PM2, PM3:Supporting, BP4

Ambry Genetics
Classification: Likely benign for Inborn genetic diseases. Last evaluated: 2023-06-28. Review status: criteria provided, single submitter. Criteria: Ambry Variant Classification Scheme 2023. Collection method: clinical testing. Allele origin: germline.

PreventionGenetics, part of Exact Sciences
Classification: Uncertain significance for FRMPD4-related condition. Last evaluated: 2023-04-12. Review status: criteria provided, single submitter. Criteria: ACMG Guidelines, 2015. Collection method: clinical testing. Allele origin: germline.
Comment: The FRMPD4 c.2605G>A variant is predicted to result in the amino acid substitution p.Val869Ile. To our knowledge, this variant has not been reported in the literature. This variant is reported in 0.014% of alleles in individuals of European (Non-Finnish) descent in gnomAD. At this time, the clinical significance of this variant is uncertain due to the absence of conclusive functional and genetic evidence.